The following is an entry in ClinVar:

NM_001211.6(BUB1B):c.2786G>T (p.Gly929Val)

Genes: BUB1B-PAK6 (BUB1B-PAK6 readthrough; plus strand), BUB1B (BUB1 mitotic checkpoint serine/threonine kinase B; plus strand). Cytogenetic location: 15q15.1.
Variant type: single nucleotide variant.
Coding change: c.2786G>T on transcript NM_001211.6 (MANE Select); coding-DNA position 2786, G replaced by T.
Protein change: p.Gly929Val; replaces glycine 929 with valine.
Molecular consequence: missense variant. On other transcripts: 5 prime UTR variant (2).
Genome position (GRCh38, 1-based): chr15:40,217,603, G>T. VCF-style: chr15-40217603-G-T. GRCh37 (hg19) VCF-style: chr15-40509804-G-T.
Other names: c.-265G>T (NM_001128628.3); c.-182G>T (NM_001128629.3); short protein forms G929V.
Identifiers: ClinVar variation 3262234 (VCV003262234.1).
Genomic context (GRCh38, chr15:40,217,603, plus strand): 5'-TAGTGGACTTTTCCTACAGTGTTGACCTTAGGGTGCAGCTGGATGTTTTTACCCTCAGCG[G>T]CTTTCGGACTGTACAGATCCTGGAAGGACAAAAGATCCTGGCTAACTGTTCTTCTCCCTA-3'
Protein context (NP_001202.5, residues 919-939): RVQLDVFTLS[Gly929Val]FRTVQILEGQ

ClinVar aggregate classification (germline): Uncertain significance (1 of 4 stars; one submission).

Conditions:
Inborn genetic diseases. Identifiers: MedGen C0950123, MeSH D030342.

Submission:

Ambry Genetics
Classification: Uncertain significance for Inborn genetic diseases. Last evaluated: 2024-04-10. Review status: criteria provided, single submitter. Criteria: Ambry Variant Classification Scheme 2023. Collection method: clinical testing. Allele origin: germline.
Comment: The p.G929V variant (also known as c.2786G>T), located in coding exon 21 of the BUB1B gene, results from a G to T substitution at nucleotide position 2786. The glycine at codon 929 is replaced by valine, an amino acid with dissimilar properties. This amino acid position is conserved. In addition, the in silico prediction for this alteration is inconclusive. Based on the available evidence, the clinical significance of this variant remains unclear.